The following is an entry in ClinVar:

ClinVar aggregate classification (germline): Uncertain significance (1 of 4 stars; one submission).

Allele frequency attached by ClinVar (database versions not stated): gnomAD 0.00001; gnomAD exomes below 0.00001; TOPMed 0.00001.
gnomAD v4.1: 5 of 1,614,062 alleles (0.00031%); highest among the groups gnomAD compares: African/African-American, 0.0067%; no homozygotes.

Submission:

Labcorp Genetics (formerly Invitae), Labcorp
Classification: Uncertain significance. Last evaluated: 2025-09-08. Review status: criteria provided, single submitter. Criteria: Invitae Variant Classification Sherloc (09022015). Collection method: clinical testing. Allele origin: germline.
Comment: This sequence change replaces valine, which is neutral and non-polar, with alanine, which is neutral and non-polar, at codon 498 of the TAB2 protein (p.Val498Ala). The frequency data for this variant in the population databases is considered unreliable, as metrics indicate poor data quality at this position in the gnomAD database. This variant has not been reported in the literature in individuals affected with TAB2-related conditions. ClinVar contains an entry for this variant (Variation ID: 2875012). Invitae Evidence Modeling of protein sequence and biophysical properties (such as structural, functional, and spatial information, amino acid conservation, physicochemical variation, residue mobility, and thermodynamic stability) indicates that this missense variant is not expected to disrupt TAB2 protein function with a negative predictive value of 80%. In summary, the available evidence is currently insufficient to determine the role of this variant in disease. Therefore, it has been classified as a Variant of Uncertain Significance.

NM_001292034.3(TAB2):c.1493T>C (p.Val498Ala)

Genes: TAB2 (TGF-beta activated kinase 1 (MAP3K7) binding protein 2; plus strand), LOC126859827 (BRD4-independent group 4 enhancer GRCh37_chr6:149699707-149700906; plus strand). Cytogenetic location: 6q25.1.
Variant type: single nucleotide variant.
Coding change: c.1493T>C on transcript NM_001292034.3 (MANE Select); coding-DNA position 1493, T replaced by C.
Protein change: p.Val498Ala; replaces valine 498 with alanine.
Molecular consequence: missense variant.
Genome position (GRCh38, 1-based): chr6:149,379,408, T>C. VCF-style: chr6-149379408-T-C. GRCh37 (hg19) VCF-style: chr6-149700544-T-C.
Other names: c.1397T>C, p.Val466Ala (NM_001292035.3); c.1493T>C, p.Val498Ala (NM_001369506.1, NM_015093.6); short protein forms V466A, V498A.
Identifiers: ClinVar variation 2875012 (VCV002875012.3), dbSNP rs1478984058, ClinGen allele CA365999691.